The following is an entry in ClinVar:

ClinVar aggregate classification (germline): Likely benign (0 of 4 stars; one submission).

Conditions:
PLXNA4-related disorder. Also called: PLXNA4-related condition.

Allele frequency attached by ClinVar (database versions not stated): gnomAD exomes 0.00005; ESP Exome Variant Server 0.00008; ExAC 0.00010; 1000 Genomes Project 30x 0.00016; 1000 Genomes Project 0.00020; gnomAD 0.00033; TOPMed 0.00037.
gnomAD v4.1: 143 of 1,614,056 alleles (0.0089%); highest among the groups gnomAD compares: African/African-American, 0.13%; 1 homozygote.

Submission:

PreventionGenetics, part of Exact Sciences
Classification: Likely benign for PLXNA4-related condition. Last evaluated: 2021-12-14. Review status: no assertion criteria provided. Collection method: clinical testing. Allele origin: germline.
Comment: This variant is classified as likely benign based on ACMG/AMP sequence variant interpretation guidelines (Richards et al. 2015 PMID: 25741868, with internal and published modifications).

NM_020911.2(PLXNA4):c.4539C>T (p.Pro1513=)

Gene: PLXNA4 (plexin A4; minus strand). Cytogenetic location: 7q32.3.
Variant type: single nucleotide variant.
Coding change: c.4539C>T on transcript NM_020911.2 (MANE Select); coding-DNA position 4539, C replaced by T.
Protein change: p.Pro1513=; no amino-acid change (proline 1513 retained).
Molecular consequence: synonymous variant.
Genome position (GRCh38, 1-based): chr7:132,159,594, G>A on the plus strand (C>T on the coding strand, the complement: PLXNA4 is on the minus strand). VCF-style: chr7-132159594-G-A. GRCh37 (hg19) VCF-style: chr7-131844353-G-A.
Other names: c.4539C>T, p.Pro1513= (NM_001393897.1).
Identifiers: ClinVar variation 3045449 (VCV003045449.2), dbSNP rs377038963, ClinGen allele CA4489153.